The following is an entry in ClinVar:

NM_005921.2(MAP3K1):c.15G>A (p.Ala5=)

Genes: MAP3K1 (mitogen-activated protein kinase kinase kinase 1; plus strand), LOC129993918 (ATAC-STARR-seq lymphoblastoid silent region 16021; plus strand). Cytogenetic location: 5q11.2.
Variant type: single nucleotide variant.
Coding change: c.15G>A on transcript NM_005921.2 (MANE Select); coding-DNA position 15, G replaced by A.
Protein change: p.Ala5=; no amino-acid change (alanine 5 retained).
Molecular consequence: synonymous variant.
Genome position (GRCh38, 1-based): chr5:56,815,588, G>A. VCF-style: chr5-56815588-G-A. GRCh37 (hg19) VCF-style: chr5-56111415-G-A.
Identifiers: ClinVar variation 1612863 (VCV001612863.34), dbSNP rs759046760, ClinGen allele CA3272489.
Genomic context (GRCh38, chr5:56,815,588, plus strand): 5'-CCTCCCTCCCTCGCAGGGGCCGAGCGAATGTAGCCCGCGAGAGAAAATGGCGGCGGCGGC[G>A]GGGAATCGCGCCTCGTCGTCGGGATTCCCGGGCGCCAGGGCTACGAGCCCTGAGGCAGGC-3'
Protein context (NP_005912.1, residues 1-15): MAAA[Ala5=]GNRASSSGFP

ClinVar aggregate classification (germline): Benign/Likely benign. Review status: criteria provided, multiple submitters, no conflicts (2 of 4 stars). 4 submissions from 4 submitters: Benign (2); Likely benign (2). Last evaluated 2025-10-02.

Conditions:
46,XY sex reversal 6. Also called: 46,XY SEX REVERSAL, PARTIAL OR COMPLETE, MAP3K1-RELATED; 46,XY GONADAL DYSGENESIS, PARTIAL OR COMPLETE, MAP3K1-RELATED. Identifiers: MedGen C3151064, MONDO:0013410, OMIM 613762.

Allele frequency attached by ClinVar (database versions not stated): 1000 Genomes Project 30x 0.00125; gnomAD exomes 0.00141; ExAC 0.00694.
gnomAD v4.1: 2,272 of 1,296,296 alleles (0.18%); highest among the groups gnomAD compares: Non-Finnish European, 0.14%; 13 homozygotes.

Submissions (4):

Labcorp Genetics (formerly Invitae), Labcorp
Classification: Benign for 46,XY sex reversal 6. Last evaluated: 2025-10-02. Review status: criteria provided, single submitter. Criteria: Invitae Variant Classification Sherloc (09022015). Collection method: clinical testing. Allele origin: germline.

Blueprint Genetics
Classification: Likely benign. Last evaluated: 2024-11-26. Review status: criteria provided, single submitter. Criteria: ACMG Guidelines, 2015. Collection method: clinical testing. Allele origin: germline.

CeGaT Center for Human Genetics Tuebingen
Classification: Likely benign. Last evaluated: 2023-07-01. Review status: criteria provided, single submitter. Criteria: CeGaT Center For Human Genetics Tuebingen Variant Classification Criteria Version 2. Collection method: clinical testing. Allele origin: germline. Affected: yes. Observed: 1 variant allele.
Comment: MAP3K1: BP4, BP7

Breakthrough Genomics
Classification: Benign. Review status: criteria provided, single submitter. Criteria: ACMG Guidelines, 2015. Collection method: not provided. Allele origin: germline. Inheritance: Autosomal dominant inheritance. Affected: yes.